The following is an entry in ClinVar:

NM_032043.3(BRIP1):c.1069G>T (p.Glu357Ter)

Gene: BRIP1 (BRCA1 interacting DNA helicase 1; minus strand). Cytogenetic location: 17q23.2.
Variant type: single nucleotide variant.
Coding change: c.1069G>T on transcript NM_032043.3 (MANE Select); coding-DNA position 1069, G replaced by T.
Protein change: p.Glu357Ter; replaces glutamic acid 357 with a stop codon.
Molecular consequence: nonsense.
Genome position (GRCh38, 1-based): chr17:61,801,324, C>A on the plus strand (G>T on the coding strand, the complement: BRIP1 is on the minus strand). VCF-style: chr17-61801324-C-A. GRCh37 (hg19) VCF-style: chr17-59878685-C-A.
Other names: short protein forms E357*.
Identifiers: ClinVar variation 960989 (VCV000960989.11), dbSNP rs769081927, ClinGen allele CA8690810.

ClinVar aggregate classification (germline): Pathogenic. Review status: criteria provided, multiple submitters, no conflicts (2 of 4 stars). 2 submissions from 2 submitters: Pathogenic (2). Last evaluated 2022-03-08.

Conditions:
Hereditary cancer-predisposing syndrome. Also called: Hereditary neoplastic syndrome; Tumor predisposition; Neoplastic Syndromes, Hereditary; Hereditary Cancer Syndrome. Identifiers: Orphanet 140162, MedGen C0027672, MeSH D009386, MONDO:0015356.
Familial cancer of breast. Also called: Hereditary breast cancer; BREAST CANCER, FAMILIAL; hereditary breast carcinoma. Identifiers: Orphanet 227535, MedGen C0346153, MONDO:0016419, OMIM 114480. Disease mechanism: loss of function.
Fanconi anemia complementation group J. Also called: BRIP1-Related Fanconi Anemia. Identifiers: Orphanet 84, MedGen C1836860, MONDO:0012187, OMIM 609054.

Allele frequency attached by ClinVar (database versions not stated): ExAC 0.00001.

Submissions (2):

Ambry Genetics
Classification: Pathogenic for Hereditary cancer-predisposing syndrome. Last evaluated: 2022-03-08. Review status: criteria provided, single submitter. Criteria: Ambry Variant Classification Scheme 2023. Collection method: clinical testing. Allele origin: germline.
Comment: The p.E357* pathogenic mutation (also known as c.1069G>T), located in coding exon 7 of the BRIP1 gene, results from a G to T substitution at nucleotide position 1069. This changes the amino acid from a glutamic acid to a stop codon within coding exon 7. This alteration is expected to result in loss of function by premature protein truncation or nonsense-mediated mRNA decay. As such, this alteration is interpreted as a disease-causing mutation.

Labcorp Genetics (formerly Invitae), Labcorp
Classification: Pathogenic for Familial cancer of breast; Fanconi anemia complementation group J. Last evaluated: 2019-08-17. Review status: criteria provided, single submitter. Criteria: Invitae Variant Classification Sherloc (09022015). Collection method: clinical testing. Allele origin: germline.
Comment: This variant has not been reported in the literature in individuals with BRIP1-related conditions. Loss-of-function variants in BRIP1 are known to be pathogenic (PMID: 16116423, 17033622, 21964575). For these reasons, this variant has been classified as Pathogenic. This sequence change creates a premature translational stop signal (p.Glu357*) in the BRIP1 gene. It is expected to result in an absent or disrupted protein product. The frequency data for this variant in the population databases is considered unreliable, as metrics indicate poor data quality at this position in the ExAC database.

Literature cited by the submitters: PubMed 29922827 (cited by Ambry Genetics); PubMed 32231423 (cited by Ambry Genetics); PubMed 33619228 (cited by Ambry Genetics); PubMed 16116423 (cited by Labcorp Genetics (formerly Invitae), Labcorp); PubMed 17033622 (cited by Labcorp Genetics (formerly Invitae), Labcorp); PubMed 21964575 (cited by Labcorp Genetics (formerly Invitae), Labcorp).